The following is an entry in ClinVar:

ClinVar aggregate classification (germline): Conflicting classifications of pathogenicity. Review status: criteria provided, conflicting classifications (1 of 4 stars). 3 submissions from 3 submitters: Uncertain significance (2); Likely benign (1). Last evaluated 2026-03-04.

Conditions:
ZNF469-related disorder. Also called: ZNF469-related condition.
Cardiovascular phenotype. Identifiers: MedGen CN230736.

Allele frequency attached by ClinVar (database versions not stated): gnomAD 0.00002; gnomAD exomes 0.00003; TOPMed 0.00003.
gnomAD v4.1: 22 of 1,544,808 alleles (0.0014%); highest among the groups gnomAD compares: Admixed American, 0.022%; no homozygotes.

Submissions (3):

Women's Health and Genetics/Laboratory Corporation of America, LabCorp
Classification: Uncertain significance. Last evaluated: 2026-03-04. Review status: criteria provided, single submitter. Criteria: LabCorp Variant Classification Summary - May 2015. Collection method: clinical testing. Allele origin: germline.
Comment: Variant summary: ZNF469 c.2324C>T (p.Ser775Leu) results in a non-conservative amino acid change in the encoded protein sequence. Algorithms developed to predict the effect of missense changes on protein structure and function are either unavailable or do not agree on the potential impact of this missense change. The variant allele was found at a frequency of 5.6e-05 in 142248 control chromosomes. The available data on variant occurrences in the general population are insufficient to allow any conclusion about variant significance. To our knowledge, no occurrence of c.2324C>T in individuals affected with ZNF469-related conditions and no experimental evidence demonstrating its impact on protein function have been reported. ClinVar contains an entry for this variant (Variation ID: 1789624). Based on the evidence outlined above, the variant was classified as uncertain significance.

PreventionGenetics, part of Exact Sciences
Classification: Uncertain significance for ZNF469-related condition. Last evaluated: 2025-04-05. Review status: criteria provided, single submitter. Criteria: ACMG Guidelines, 2015. Collection method: clinical testing. Allele origin: germline.
Comment: The ZNF469 c.2324C>T variant is predicted to result in the amino acid substitution p.Ser775Leu. To our knowledge, this variant has not been reported in the literature. This variant is reported in 0.033% of alleles in individuals of Latino descent in gnomAD. At this time, the clinical significance of this variant is uncertain due to the absence of conclusive functional and genetic evidence.

Ambry Genetics
Classification: Likely benign for Cardiovascular phenotype. Last evaluated: 2025-03-27. Review status: criteria provided, single submitter. Criteria: Ambry Variant Classification Scheme 2023. Collection method: clinical testing. Allele origin: germline.

NM_001367624.2(ZNF469):c.2324C>T (p.Ser775Leu)

Gene: ZNF469 (zinc finger protein 469; plus strand). Cytogenetic location: 16q24.2.
Variant type: single nucleotide variant.
Coding change: c.2324C>T on transcript NM_001367624.2 (MANE Select); coding-DNA position 2324, C replaced by T.
Protein change: p.Ser775Leu; replaces serine 775 with leucine.
Molecular consequence: missense variant.
Genome position (GRCh38, 1-based): chr16:88,429,794, C>T. VCF-style: chr16-88429794-C-T. GRCh37 (hg19) VCF-style: chr16-88496202-C-T.
Other names: NM_001127464.1:c.2324C>T; NM_001127464.2:c.2324C>T; short protein forms S775L.
Identifiers: ClinVar variation 1789624 (VCV001789624.5), dbSNP rs900564328, ClinGen allele CA286373544.